The following is an entry in ClinVar:

NM_173598.6(KSR2):c.699G>A (p.Pro233=)

Gene: KSR2 (kinase suppressor of ras 2; minus strand). Cytogenetic location: 12q24.23.
Variant type: single nucleotide variant.
Coding change: c.699G>A on transcript NM_173598.6 (MANE Select); coding-DNA position 699, G replaced by A.
Protein change: p.Pro233=; no amino-acid change (proline 233 retained).
Molecular consequence: synonymous variant.
Genome position (GRCh38, 1-based): chr12:117,761,298, C>T on the plus strand (G>A on the coding strand, the complement: KSR2 is on the minus strand). VCF-style: chr12-117761298-C-T. GRCh37 (hg19) VCF-style: chr12-118199103-C-T.
Identifiers: ClinVar variation 5001583 (VCV005001583.1).

ClinVar aggregate classification (germline): Likely benign (1 of 4 stars; one submission).

Conditions:
KSR2-related disorder. Also called: KSR2-related condition.

gnomAD v4.1: 8 of 1,520,526 alleles (0.00053%); highest among the groups gnomAD compares: Non-Finnish European, 0.0007%; no homozygotes.

Submission:

PreventionGenetics, part of Exact Sciences
Classification: Likely benign for KSR2-related condition. Last evaluated: 2024-11-12. Review status: criteria provided, single submitter. Criteria: ACMG Guidelines, 2015. Collection method: clinical testing. Allele origin: germline.
Comment: This variant is classified as likely benign based on ACMG/AMP sequence variant interpretation guidelines (Richards et al. 2015 PMID: 25741868, with internal and published modifications).